The following is an entry in ClinVar:

ClinVar aggregate classification (germline): Likely benign (1 of 4 stars; one submission).

Allele frequency attached by ClinVar (database versions not stated): ExAC 0.00032; gnomAD 0.00075; 1000 Genomes Project 30x 0.00094; TOPMed 0.00097; 1000 Genomes Project 0.00100; ESP Exome Variant Server 0.00100.
gnomAD v4.1: 383 of 1,614,146 alleles (0.024%); highest among the groups gnomAD compares: Middle Eastern, 0.23%; 1 homozygote.

Submission:

CeGaT Center for Human Genetics Tuebingen
Classification: Likely benign. Last evaluated: 2023-03-01. Review status: criteria provided, single submitter. Criteria: CeGaT Center For Human Genetics Tuebingen Variant Classification Criteria Version 2. Collection method: clinical testing. Allele origin: germline. Affected: yes. Observed: 2 variant alleles.
Comment: SLC22A14: BP4, BP7

NM_001320033.2(SLC22A14):c.822G>A (p.Leu274=)

Gene: SLC22A14 (solute carrier family 22 member 14; plus strand). Cytogenetic location: 3p22.2.
Variant type: single nucleotide variant.
Coding change: c.822G>A on transcript NM_001320033.2 (MANE Select); coding-DNA position 822, G replaced by A.
Protein change: p.Leu274=; no amino-acid change (leucine 274 retained).
Molecular consequence: synonymous variant.
Genome position (GRCh38, 1-based): chr3:38,309,000, G>A. VCF-style: chr3-38309000-G-A. GRCh37 (hg19) VCF-style: chr3-38350491-G-A.
Other names: c.822G>A, p.Leu274= (NM_004803.4).
Identifiers: ClinVar variation 2653671 (VCV002653671.24), dbSNP rs115409599, ClinGen allele CA2317567.
Genomic context (GRCh38, chr3:38,309,000, plus strand): 5'-TGGCCTCTGCACAGCCACTGAGTGGTTAGTGGGTGAGCACCGGGCCCATGCCATTATCCT[G>A]GGACACTGCTTTTTCGCTGTTGGGGCCGTGTTGCTGACAGGGATCGCCTACAGTCTTCCC-3'
Protein context (NP_001306962.1, residues 264-284): VGEHRAHAII[Leu274=]GHCFFAVGAV